The following is an entry in ClinVar:

ClinVar aggregate classification (germline): Pathogenic (1 of 4 stars; one submission).

Submission:

Mayo Clinic Laboratories, Mayo Clinic
Classification: Pathogenic. Last evaluated: 2025-09-30. Review status: criteria provided, single submitter. Criteria: ACMG Guidelines, 2015. Collection method: clinical testing. Allele origin: germline. Observed: 2 variant alleles.
Comment: PM2_supporting, PS1_supporting, PVS1

Literature cited by the submitters: PubMed 21551026; PubMed 22508176; PubMed 34032358.

NM_001009944.3(PKD1):c.7066-2del

Gene: PKD1 (polycystin 1, transient receptor potential channel interacting; minus strand). Cytogenetic location: 16p13.3.
Variant type: Deletion.
Coding change: c.7066-2del on transcript NM_001009944.3 (MANE Select); the canonical splice acceptor site of the intron before coding-DNA position 7066, one base deleted (A; older notation c.7066-2delA).
Molecular consequence: splice acceptor variant.
Genome position (GRCh38, 1-based): chr16:2,106,950, T deleted on the plus strand (A on the coding strand, the reverse complement: PKD1 is on the minus strand). VCF-style (leftmost placement, unchanged base first): chr16-2106949-CT-C. GRCh37 (hg19) VCF-style: chr16-2156950-CT-C.
Other names: c.7066-2del (NM_000296.4).
Identifiers: ClinVar variation 4541992 (VCV004541992.1).